The following is an entry in ClinVar:

NM_152703.5(SAMD9L):c.1692C>A (p.Phe564Leu)

Gene: SAMD9L (sterile alpha motif domain containing 9 like; minus strand). Cytogenetic location: 7q21.2.
Variant type: single nucleotide variant.
Coding change: c.1692C>A on transcript NM_152703.5 (MANE Select); coding-DNA position 1692, C replaced by A.
Protein change: p.Phe564Leu; replaces phenylalanine 564 with leucine.
Molecular consequence: missense variant.
Genome position (GRCh38, 1-based): chr7:93,134,280, G>T on the plus strand (C>A on the coding strand, the complement: SAMD9L is on the minus strand). VCF-style: chr7-93134280-G-T. GRCh37 (hg19) VCF-style: chr7-92763593-G-T.
Other names: c.1692C>A, p.Phe564Leu (NM_001350082.2, NM_001350083.2, NM_001350084.2 and 5 more transcripts); short protein forms F564L.
Identifiers: ClinVar variation 4630162 (VCV004630162.1).

ClinVar aggregate classification (germline): Uncertain significance (1 of 4 stars; one submission).

Conditions:
Inborn genetic diseases. Identifiers: MedGen C0950123, MeSH D030342.

Submission:

Ambry Genetics
Classification: Uncertain significance for Inborn genetic diseases. Last evaluated: 2025-12-07. Review status: criteria provided, single submitter. Criteria: Ambry Variant Classification Scheme 2023. Collection method: clinical testing. Allele origin: germline.
Comment: The p.F564L variant (also known as c.1692C>A), located in coding exon 1 of the SAMD9L gene, results from a C to A substitution at nucleotide position 1692. The phenylalanine at codon 564 is replaced by leucine, an amino acid with highly similar properties. This amino acid position is conserved. In addition, this alteration is predicted to be tolerated by in silico analysis. Based on the available evidence, the clinical significance of this variant remains unclear.